The following is an entry in ClinVar:

NM_000124.4(ERCC6):c.4322C>T (p.Thr1441Ile)

Gene: ERCC6 (ERCC excision repair 6, chromatin remodeling factor; minus strand). Cytogenetic location: 10q11.23.
Variant type: single nucleotide variant.
Coding change: c.4322C>T on transcript NM_000124.4 (MANE Select); coding-DNA position 4322, C replaced by T.
Protein change: p.Thr1441Ile; replaces threonine 1441 with isoleucine.
Molecular consequence: missense variant.
Genome position (GRCh38, 1-based): chr10:49,458,975, G>A on the plus strand (C>T on the coding strand, the complement: ERCC6 is on the minus strand). VCF-style: chr10-49458975-G-A. GRCh37 (hg19) VCF-style: chr10-50667021-G-A.
Other names: c.4322C>T, p.Thr1441Ile (NM_001346440.2); short protein forms T1441I.
Identifiers: ClinVar variation 300036 (VCV000300036.18), dbSNP rs4253230, ClinGen allele CA5495128.

ClinVar aggregate classification (germline): Benign. Review status: criteria provided, multiple submitters, no conflicts (2 of 4 stars). 6 submissions from 4 submitters: Benign (6). Last evaluated 2026-02-02.

Conditions:
Cerebrooculofacioskeletal syndrome 1 (COFS1). Also called: Cerebro-oculo-facio-skeletal syndrome 1. Identifiers: MedGen C0220722, MONDO:0008955, OMIM 214150.
Age related macular degeneration 5. Identifiers: MedGen C3151063, MONDO:0013409, OMIM 613761.
Cockayne syndrome type 2 (CSB). Also called: Cockayne Syndrome, Type II; COCKAYNE SYNDROME B. Identifiers: Orphanet 191, Orphanet 90322, MedGen C0751038, MONDO:0019570, OMIM 133540.

Allele frequency attached by ClinVar (database versions not stated): gnomAD exomes 0.00217 and 0.00551; ExAC 0.00680; gnomAD 0.02085 and 0.02217; TOPMed 0.02284; ESP Exome Variant Server 0.02622; 1000 Genomes Project 0.02676; 1000 Genomes Project 30x 0.02717.
gnomAD v4.1: 6,465 of 1,614,198 alleles (0.4%); highest among the groups gnomAD compares: African/African-American, 7.4%; 226 homozygotes.

Submissions (6):

Labcorp Genetics (formerly Invitae), Labcorp
Classification: Benign. Last evaluated: 2026-02-02. Review status: criteria provided, single submitter. Criteria: Invitae Variant Classification Sherloc (09022015). Collection method: clinical testing. Allele origin: germline.

GeneDx
Classification: Benign. Last evaluated: 2020-02-03. Review status: criteria provided, single submitter. Criteria: GeneDx Variant Classification Process June 2021. Collection method: clinical testing. Allele origin: germline. Affected: yes.

Illumina Laboratory Services, Illumina
Classification: Benign for Cockayne syndrome type 2. Last evaluated: 2018-01-13. Review status: criteria provided, single submitter. Criteria: ICSL Variant Classification Criteria 13 December 2019. Collection method: clinical testing. Allele origin: germline.
Comment: This variant was observed in the ICSL laboratory as part of a predisposition screen in an ostensibly healthy population. It had not been previously curated by ICSL or reported in the Human Gene Mutation Database (HGMD: prior to June 1st, 2018), and was therefore a candidate for classification through an automated scoring system. Utilizing variant allele frequency, disease prevalence and penetrance estimates, and inheritance mode, an automated score was calculated to assess if this variant is too frequent to cause the disease. Based on the score and internal cut-off values, a variant classified as benign is not then subjected to further curation. The score for this variant resulted in a classification of benign for this disease.

Illumina Laboratory Services, Illumina
Classification: Benign for Cerebrooculofacioskeletal syndrome 1. Last evaluated: 2018-01-13. Review status: criteria provided, single submitter. Criteria: ICSL Variant Classification Criteria 13 December 2019. Collection method: clinical testing. Allele origin: germline.
Comment: the same text as in the submission from Illumina Laboratory Services, Illumina above.

Illumina Laboratory Services, Illumina
Classification: Benign for Age related macular degeneration 5. Last evaluated: 2018-01-13. Review status: criteria provided, single submitter. Criteria: ICSL Variant Classification Criteria 13 December 2019. Collection method: clinical testing. Allele origin: germline.
Comment: the same text as in the submission from Illumina Laboratory Services, Illumina above.

Breakthrough Genomics
Classification: Benign. Review status: criteria provided, single submitter. Criteria: ACMG Guidelines, 2015. Collection method: not provided. Allele origin: germline. Inheritance: Autosomal recessive inheritance. Affected: yes.